The following is an entry in ClinVar:

ClinVar aggregate classification (germline): Uncertain significance (1 of 4 stars; one submission).

Conditions:
Deficiency of alpha-mannosidase (MANSA). Also called: Alpha-Mannosidosis; LYSOSOMAL ALPHA-D-MANNOSIDASE DEFICIENCY; Mannosidosis, alpha-, types I and II. Identifiers: Orphanet 61, MedGen C0024748, MONDO:0009561, OMIM 248500.

gnomAD v4.1: 1 of 1,614,130 alleles (0.000062%); highest among the groups gnomAD compares: Admixed American, 0.0017%; no homozygotes.

Submission:

Labcorp Genetics (formerly Invitae), Labcorp
Classification: Uncertain significance for Deficiency of alpha-mannosidase. Last evaluated: 2022-08-10. Review status: criteria provided, single submitter. Criteria: Invitae Variant Classification Sherloc (09022015). Collection method: clinical testing. Allele origin: germline.
Comment: In summary, the available evidence is currently insufficient to determine the role of this variant in disease. Therefore, it has been classified as a Variant of Uncertain Significance. Algorithms developed to predict the effect of missense changes on protein structure and function are either unavailable or do not agree on the potential impact of this missense change (SIFT: "Tolerated"; PolyPhen-2: "Possibly Damaging"; Align-GVGD: "Class C0"). This variant has not been reported in the literature in individuals affected with MAN2B1-related conditions. This variant is present in population databases (no rsID available, gnomAD 0.003%). This sequence change replaces arginine, which is basic and polar, with proline, which is neutral and non-polar, at codon 962 of the MAN2B1 protein (p.Arg962Pro).

NM_000528.4(MAN2B1):c.2885G>C (p.Arg962Pro)

Gene: MAN2B1 (mannosidase alpha class 2B member 1; minus strand). Cytogenetic location: 19p13.13.
Variant type: single nucleotide variant.
Coding change: c.2885G>C on transcript NM_000528.4 (MANE Select); coding-DNA position 2885, G replaced by C.
Protein change: p.Arg962Pro; replaces arginine 962 with proline.
Molecular consequence: missense variant.
Genome position (GRCh38, 1-based): chr19:12,647,271, C>G on the plus strand (G>C on the coding strand, the complement: MAN2B1 is on the minus strand). VCF-style: chr19-12647271-C-G. GRCh37 (hg19) VCF-style: chr19-12758085-C-G.
Other names: c.2882G>C, p.Arg961Pro (NM_001173498.2); short protein forms R962P, R961P.
Identifiers: ClinVar variation 1898921 (VCV001898921.5), dbSNP rs750173812, ClinGen allele CA404237322.
Genomic context (GRCh38, chr19:12,647,271, plus strand): 5'-CTACCCCTGACCAGGGCCCCACCTGTGTTTGTTGTCCACTTGAGCCTGGAGGCTGCCTCG[C>G]GGAGCTGGTTGGCCACCAGCGTGGTCTCCTGCAGGCGGGTGATGGTGAAGGTGGAGAACA-3'
Protein context (NP_000519.2, residues 952-972): QETTLVANQL[Arg962Pro]EAASRLKWTT